The following is an entry in ClinVar:

NM_020207.7(ERCC6L2):c.1550T>C (p.Leu517Ser)

Gene: ERCC6L2 (ERCC excision repair 6 like 2; plus strand). Cytogenetic location: 9q22.32.
Variant type: single nucleotide variant.
Coding change: c.1550T>C on transcript NM_020207.7 (MANE Select); coding-DNA position 1550, T replaced by C.
Protein change: p.Leu517Ser; replaces leucine 517 with serine.
Molecular consequence: missense variant. On other transcripts: non-coding transcript variant (1).
Genome position (GRCh38, 1-based): chr9:95,928,095, T>C. VCF-style: chr9-95928095-T-C. GRCh37 (hg19) VCF-style: chr9-98690377-T-C.
Other names: c.1550T>C, p.Leu517Ser (NM_001010895.4, NM_001375291.1, NM_001375292.1 and 2 more transcripts); short protein forms L517S.
Identifiers: ClinVar variation 4870593 (VCV004870593.1).

ClinVar aggregate classification (germline): Uncertain significance (1 of 4 stars; one submission).

Conditions:
Inborn genetic diseases. Identifiers: MedGen C0950123, MeSH D030342.

Submission:

Ambry Genetics
Classification: Uncertain significance for Inborn genetic diseases. Last evaluated: 2026-04-20. Review status: criteria provided, single submitter. Criteria: Ambry Variant Classification Scheme 2023. Collection method: clinical testing. Allele origin: germline.
Comment: The p.L517S variant (also known as c.1550T>C), located in coding exon 10 of the ERCC6L2 gene, results from a T to C substitution at nucleotide position 1550. The leucine at codon 517 is replaced by serine, an amino acid with dissimilar properties. This amino acid position is conserved. In addition, this alteration is predicted to be deleterious by in silico analysis. Based on the available evidence, the clinical significance of this variant remains unclear.